The following is an entry in ClinVar:

ClinVar aggregate classification (germline): Pathogenic (1 of 4 stars; one submission).

Conditions:
Chromosome 22q11.2 microduplication syndrome. Also called: CHROMOSOME 22q11.2 DUPLICATION SYNDROME; 22q11.2 microduplication syndrome. Identifiers: Orphanet 1727, MedGen C2675369, MONDO:0012020, OMIM 608363.

Submission:

Applied Translational Genetics Group, University of Auckland
Classification: Pathogenic for Chromosome 22q11.2 microduplication syndrome. Last evaluated: 2025-10-08. Review status: criteria provided, single submitter. Criteria: ACMG Guidelines, 2015. Collection method: research. Allele origin: unknown. Inheritance: Autosomal dominant inheritance. Affected: yes. Observed: 1 heterozygote.
Comment: This variant is a duplication involving the interstitial chromosomal region 22q11.21. With regards to the ACMG Guidelines: this deletion overlaps a triplosenstive region (22q11.2 recurrent (DGS) region, 2A (+1.00)), includes 35-49 RefSeq protein-coding genes (49 genes, 3B (+0.45)), and there is evidence from public case-control data to show an significant enrichment in cases (69 ClinVar entries with 80% overlap reported at Pathological or Likely Pathological, 4L (+0.15)). At least 36 cases of Chromosome 22q11.2 microduplication syndrome (OMIM:608363) have previously been reported in the literature (reviewed in PMID: 18707033) with significant phenotypic variability even within families. In summary, this variant meets criteria to be classified as pathogenic for Chromosome 22q11.2 microduplication syndrome based on the ACMG/AMP criteria applied: 2A (+1.00), 3B (+0.45), 4L (+0.15)

Literature cited by the submitters: PubMed 18707033; PubMed 40756852.

GRCh37/hg19 22q11.21(chr22:18648855-21800471)x3

Genes: AIFM3 (AIF family member 3; plus strand), ARVCF (ARVCF delta catenin family member; minus strand), C22orf39 (chromosome 22 open reading frame 39; minus strand), CDC45 (cell division cycle 45; plus strand), CLDN5 (claudin 5; minus strand) and 46 more. Cytogenetic location: 22q11.21.
Variant type: copy number gain.
Change: copy number 3 (three copies instead of two) of chr22:18,648,855-21,800,471 (3.15 Mb, GRCh37 coordinates, 1-based), cytogenetic band 22q11.21.
Identifiers: ClinVar variation 4280597 (VCV004280597.1).